The following is an entry in ClinVar:

NM_000038.6(APC):c.532-934A>T

Gene: APC (APC regulator of Wnt signaling pathway; plus strand). Cytogenetic location: 5q22.2.
Variant type: single nucleotide variant.
Coding change: c.532-934A>T on transcript NM_000038.6 (MANE Select); 934 bases into the intron before coding-DNA position 532, A replaced by T.
Molecular consequence: intron variant.
Genome position (GRCh38, 1-based): chr5:112,779,856, A>T. VCF-style: chr5-112779856-A-T. GRCh37 (hg19) VCF-style: chr5-112115553-A-T.
Other names: c.532-934A>T (NM_001354895.2, NM_001127510.3, NM_001354896.2 and 2 more transcripts); c.562-934A>T (NM_001354897.2, NM_001354902.2, NM_001127511.3); c.457-934A>T (NM_001354898.2, NM_001354904.2); c.-504-934A>T (NM_001354906.2); c.355-934A>T (NM_001354900.2, NM_001354901.2, NM_001354905.2).
Identifiers: ClinVar variation 1746855 (VCV001746855.2), dbSNP rs1758130321, ClinGen allele CA2580072329.

ClinVar aggregate classification (germline): Likely pathogenic (1 of 4 stars; one submission).

Conditions:
Hereditary cancer-predisposing syndrome. Also called: Hereditary Cancer Syndrome; Neoplastic Syndromes, Hereditary; Tumor predisposition; Hereditary neoplastic syndrome. Identifiers: Orphanet 140162, MedGen C0027672, MeSH D009386, MONDO:0015356.

Submission:

Ambry Genetics
Classification: Likely pathogenic for Hereditary cancer-predisposing syndrome. Last evaluated: 2023-12-12. Review status: criteria provided, single submitter. Criteria: Ambry Variant Classification Scheme 2023. Collection method: clinical testing. Allele origin: germline.
Comment: The c.532-934A>T intronic variant results from an A to T substitution 934 nucleotides upstream from coding exon 5 in the APC gene. This alteration has been observed in multiple individuals with a personal and/or family history that is consistent with APC-related disease (Ambry internal data). RNA studies have demonstrated that this alteration results in abnormal splicing in the set of samples tested (Ambry internal data). This nucleotide position is highly conserved in available vertebrate species. In silico splice site analysis predicts that this alteration may result in the creation or strengthening of a novel splice donor site. This variant is considered to be rare based on population cohorts in the Genome Aggregation Database (gnomAD). Based on the majority of available evidence to date, this variant is likely to be pathogenic.